The following is an entry in ClinVar:

NM_001184.4(ATR):c.626T>C (p.Leu209Ser)

Gene: ATR (ATR checkpoint kinase; minus strand). Cytogenetic location: 3q23.
Variant type: single nucleotide variant.
Coding change: c.626T>C on transcript NM_001184.4 (MANE Select); coding-DNA position 626, T replaced by C.
Protein change: p.Leu209Ser; replaces leucine 209 with serine.
Molecular consequence: missense variant.
Genome position (GRCh38, 1-based): chr3:142,562,776, A>G on the plus strand (T>C on the coding strand, the complement: ATR is on the minus strand). VCF-style: chr3-142562776-A-G. GRCh37 (hg19) VCF-style: chr3-142281618-A-G.
Other names: c.626T>C, p.Leu209Ser (NM_001354579.2); short protein forms L209S.
Identifiers: ClinVar variation 1371052 (VCV001371052.6), dbSNP rs2108488082, ClinGen allele CA354826213.
Genomic context (GRCh38, chr3:142,562,776, plus strand): 5'-AGTAAGAGTTCTTGCCTTCTAAAAAACACAATTGCAATAATACGAGTAAGAACCATTAAT[A>G]AAGTGACTTCAATAAATTCTAAATTTTGCATACTCATCAACTGCAAAGGAGCTGATTGTA-3'
Protein context (NP_001175.2, residues 199-219): MQNLEFIEVT[Leu209Ser]LMVLTRIIAI

ClinVar aggregate classification (germline): Uncertain significance (1 of 4 stars; one submission).

Submission:

Labcorp Genetics (formerly Invitae), Labcorp
Classification: Uncertain significance. Last evaluated: 2021-07-30. Review status: criteria provided, single submitter. Criteria: Invitae Variant Classification Sherloc (09022015). Collection method: clinical testing. Allele origin: germline.
Comment: This variant is not present in population databases (ExAC no frequency). This sequence change replaces leucine with serine at codon 209 of the ATR protein (p.Leu209Ser). The leucine residue is moderately conserved and there is a large physicochemical difference between leucine and serine. This variant has not been reported in the literature in individuals affected with ATR-related conditions. In summary, the available evidence is currently insufficient to determine the role of this variant in disease. Therefore, it has been classified as a Variant of Uncertain Significance. Algorithms developed to predict the effect of missense changes on protein structure and function are either unavailable or do not agree on the potential impact of this missense change (SIFT: "Deleterious"; PolyPhen-2: "Benign"; Align-GVGD: "Class C0").